The following is an entry in ClinVar:

NM_001018113.3(FANCB):c.1317T>G (p.Ser439Arg)

Gene: FANCB (FA complementation group B; minus strand). Cytogenetic location: Xp22.2.
Variant type: single nucleotide variant.
Coding change: c.1317T>G on transcript NM_001018113.3 (MANE Select); coding-DNA position 1317, T replaced by G.
Protein change: p.Ser439Arg; replaces serine 439 with arginine.
Molecular consequence: missense variant.
Genome position (GRCh38, 1-based): chrX:14,853,048, A>C on the plus strand (T>G on the coding strand, the complement: FANCB is on the minus strand). VCF-style: chrX-14853048-A-C. GRCh37 (hg19) VCF-style: chrX-14871170-A-C.
Other names: c.1317T>G, p.Ser439Arg (NM_001324162.2, NM_001410764.1, NM_152633.4); short protein forms S439R.
Identifiers: ClinVar variation 4806900 (VCV004806900.1).

ClinVar aggregate classification (germline): Uncertain significance (1 of 4 stars; one submission).

Conditions:
Fanconi anemia (FA). Also called: Fanconi's anemia. Identifiers: Orphanet 84, MedGen C0015625, MeSH D005199, MONDO:0019391.

gnomAD v4.1: 1 of 1,200,261 alleles (0.000083%); highest among the groups gnomAD compares: Non-Finnish European, 0.00011%; no homozygotes.

Submission:

Labcorp Genetics (formerly Invitae), Labcorp
Classification: Uncertain significance for Fanconi anemia. Last evaluated: 2025-11-03. Review status: criteria provided, single submitter. Criteria: Invitae Variant Classification Sherloc (09022015). Collection method: clinical testing. Allele origin: germline.
Comment: This sequence change replaces serine, which is neutral and polar, with arginine, which is basic and polar, at codon 439 of the FANCB protein (p.Ser439Arg). This variant is present in population databases (rs776802337, gnomAD 0.001%). This variant has not been reported in the literature in individuals affected with FANCB-related conditions. Invitae Evidence Modeling of protein sequence and biophysical properties (such as structural, functional, and spatial information, amino acid conservation, physicochemical variation, residue mobility, and thermodynamic stability) has been performed for this missense variant. However, the output from this modeling did not meet the statistical confidence thresholds required to predict the impact of this variant on FANCB protein function. In summary, the available evidence is currently insufficient to determine the role of this variant in disease. Therefore, it has been classified as a Variant of Uncertain Significance.